The following is an entry in ClinVar:

NM_005585.5(SMAD6):c.991T>A (p.Trp331Arg)

Gene: SMAD6 (SMAD family member 6; plus strand). Cytogenetic location: 15q22.31.
Variant type: single nucleotide variant.
Coding change: c.991T>A on transcript NM_005585.5 (MANE Select); coding-DNA position 991, T replaced by A.
Protein change: p.Trp331Arg; replaces tryptophan 331 with arginine.
Molecular consequence: missense variant. On other transcripts: non-coding transcript variant (1).
Genome position (GRCh38, 1-based): chr15:66,781,035, T>A. VCF-style: chr15-66781035-T-A. GRCh37 (hg19) VCF-style: chr15-67073373-T-A.
Other names: short protein forms W331R.
Identifiers: ClinVar variation 4885897 (VCV004885897.2).

ClinVar aggregate classification (germline): Uncertain significance (1 of 4 stars; one submission).

gnomAD v4.1: 1 of 1,598,278 alleles (0.000063%); highest among the groups gnomAD compares: African/African-American, 0.0013%; no homozygotes.

Submission:

Dasa
Classification: Uncertain significance. Last evaluated: 2025-06-06. Review status: criteria provided, single submitter. Criteria: DASA Assertion Criteria. Collection method: clinical testing. Allele origin: germline.
Comment: NM_005585.5(SMAD6):c.991T>A (p.Trp331Arg) is a missense variant that results in the substitution of tryptophan with arginine. This variant is rare in population databases. Computational prediction algorithms are consistent with a deleterious effect. The currently available literature and clinical evidence are not sufficient to establish a definitive association between this variant and the reported condition. Therefore, this variant is classified as a variant of uncertain significance.